The following is an entry in ClinVar:

ClinVar aggregate classification (germline): Uncertain significance (1 of 4 stars; one submission).

Allele frequency attached by ClinVar (database versions not stated): gnomAD 0.00001.
gnomAD v4.1: 1 of 1,590,106 alleles (0.000063%); highest among the groups gnomAD compares: Admixed American, 0.0018%; no homozygotes.

Submission:

Labcorp Genetics (formerly Invitae), Labcorp
Classification: Uncertain significance. Last evaluated: 2022-11-08. Review status: criteria provided, single submitter. Criteria: Invitae Variant Classification Sherloc (09022015). Collection method: clinical testing. Allele origin: germline.
Comment: This sequence change replaces proline, which is neutral and non-polar, with arginine, which is basic and polar, at codon 218 of the SEPT9 protein (p.Pro218Arg). In summary, the available evidence is currently insufficient to determine the role of this variant in disease. Therefore, it has been classified as a Variant of Uncertain Significance. Advanced modeling of protein sequence and biophysical properties (such as structural, functional, and spatial information, amino acid conservation, physicochemical variation, residue mobility, and thermodynamic stability) performed at Invitae indicates that this missense variant is not expected to disrupt SEPT9 protein function. This variant has not been reported in the literature in individuals affected with SEPT9-related conditions. This variant is not present in population databases (gnomAD no frequency).

NM_001113491.2(SEPTIN9):c.707C>G (p.Pro236Arg)

Gene: SEPTIN9 (septin 9; plus strand). Cytogenetic location: 17q25.3.
Variant type: single nucleotide variant.
Coding change: c.707C>G on transcript NM_001113491.2 (MANE Select); coding-DNA position 707, C replaced by G.
Protein change: p.Pro236Arg; replaces proline 236 with arginine.
Molecular consequence: missense variant.
Genome position (GRCh38, 1-based): chr17:77,402,689, C>G. VCF-style: chr17-77402689-C-G. GRCh37 (hg19) VCF-style: chr17-75398771-C-G.
Other names: c.215C>G, p.Pro72Arg (NM_001113492.2, NM_001113494.1); c.686C>G, p.Pro229Arg (NM_001113493.2); c.650C>G, p.Pro217Arg (NM_001293695.2); c.653C>G, p.Pro218Arg (NM_006640.5); short protein forms P217R, P218R, P229R, P236R, P72R.
Identifiers: ClinVar variation 2445511 (VCV002445511.4), dbSNP rs2035944020, ClinGen allele CA401206711.